The following is an entry in ClinVar:

ClinVar aggregate classification (germline): Likely benign. Review status: criteria provided, multiple submitters, no conflicts (2 of 4 stars). 2 submissions from 2 submitters: Likely benign (2). Last evaluated 2025-12-27.

Conditions:
ALG6-congenital disorder of glycosylation 1C (CDG1C). Also called: CDG Ic; Congenital disorder of glycosylation, type Ic; CARBOHYDRATE-DEFICIENT GLYCOPROTEIN SYNDROME, TYPE I, WITH DEFICIENT GLYCOSYLATION OF DOLICHOL-LINKED OLIGOSACCHARIDE; CARBOHYDRATE-DEFICIENT GLYCOPROTEIN SYNDROME, TYPE V; Congenital disorder of glycosylation type 1C. Identifiers: Orphanet 79320, MedGen C2930997, MONDO:0011291, OMIM 603147.

Allele frequency attached by ClinVar (database versions not stated): gnomAD exomes below 0.00001 and 0.00002; gnomAD 0.00001 and 0.00002; ExAC 0.00002; TOPMed 0.00002.
gnomAD v4.1: 10 of 1,582,222 alleles (0.00063%); highest among the groups gnomAD compares: Middle Eastern, 0.017%; no homozygotes.

Submissions (2):

Labcorp Genetics (formerly Invitae), Labcorp
Classification: Likely benign for ALG6-congenital disorder of glycosylation 1C. Last evaluated: 2025-12-27. Review status: criteria provided, single submitter. Criteria: Invitae Variant Classification Sherloc (09022015). Collection method: clinical testing. Allele origin: germline.

GeneDx
Classification: Likely benign. Last evaluated: 2018-05-14. Review status: criteria provided, single submitter. Criteria: GeneDx Variant Classification (06012015). Collection method: clinical testing. Allele origin: germline. Affected: yes.
Comment: This variant is considered likely benign or benign based on one or more of the following criteria: it is a conservative change, it occurs at a poorly conserved position in the protein, it is predicted to be benign by multiple in silico algorithms, and/or has population frequency not consistent with disease.

NM_013339.4(ALG6):c.494+15T>C

Gene: ALG6 (ALG6 alpha-1,3-glucosyltransferase; plus strand). Cytogenetic location: 1p31.3.
Variant type: single nucleotide variant.
Coding change: c.494+15T>C on transcript NM_013339.4 (MANE Select); 15 bases into the intron after coding-DNA position 494, T replaced by C.
Molecular consequence: intron variant.
Genome position (GRCh38, 1-based): chr1:63,407,141, T>C. VCF-style: chr1-63407141-T-C. GRCh37 (hg19) VCF-style: chr1-63872812-T-C.
Identifiers: ClinVar variation 682384 (VCV000682384.7), dbSNP rs777671830, ClinGen allele CA888184.